The following is an entry in ClinVar:

NM_001322186.2(DCT):c.106+3A>G

Gene: DCT (dopachrome tautomerase; minus strand). Cytogenetic location: 13q32.1.
Variant type: single nucleotide variant.
Coding change: c.106+3A>G on transcript NM_001322186.2; 3 bases into the intron after coding-DNA position 106, A replaced by G.
Molecular consequence: intron variant.
Genome position (GRCh38, 1-based): chr13:94,504,908, T>C on the plus strand (A>G on the coding strand, the complement: DCT is on the minus strand). VCF-style: chr13-94504908-T-C. GRCh37 (hg19) VCF-style: chr13-95157162-T-C.
Other names: c.-338-38250A>G (NM_001322182.2); c.-638-35863A>G (NM_001322185.2); c.-392-15478A>G (NM_001322183.2); c.-692-15478A>G (NM_001322184.2).
Identifiers: ClinVar variation 4987890 (VCV004987890.1).
Genomic context (GRCh38, chr13:94,504,908, plus strand): 5'-AAATGACTTGTATTGGCTTATTTTCTTTGTATCCAAGGCACCTTCTGCATAACTCCCTCC[T>C]ACCTCTTCTCATTGGACTGTGTGTGTTCACATGTTCATCTTCCTCTAGTCTCTTTGTCAC-3'

ClinVar aggregate classification (germline): Likely benign (1 of 4 stars; one submission).

Conditions:
DCT-related disorder. Also called: DCT-related condition.

gnomAD v4.1: 145 of 152,190 alleles (0.095%); highest among the groups gnomAD compares: Admixed American, 0.69%; 2 homozygotes.

Submission:

PreventionGenetics, part of Exact Sciences
Classification: Likely benign for DCT-related condition. Last evaluated: 2026-04-23. Review status: criteria provided, single submitter. Criteria: ACMG Guidelines, 2015. Collection method: clinical testing. Allele origin: germline.
Comment: This variant is classified as likely benign based on ACMG/AMP sequence variant interpretation guidelines (Richards et al. 2015 PMID: 25741868, with internal and published modifications).